The following is an entry in ClinVar:

ClinVar aggregate classification (germline): Uncertain significance. Review status: criteria provided, multiple submitters, no conflicts (2 of 4 stars). 3 submissions from 3 submitters: Uncertain significance (3). Last evaluated 2024-09-08.

Conditions:
Autosomal dominant nocturnal frontal lobe epilepsy 5. Also called: CILIARY DYSKINESIA, PRIMARY, 28, WITH SITUS INVERSUS; KCNT1-Related Epilepsy; CILIARY DYSKINESIA, PRIMARY, 28, WITHOUT SITUS INVERSUS; Epilepsy, nocturnal frontal lobe, 5. Identifiers: Orphanet 98784, MedGen C3554306, MONDO:0014002, OMIM 615005.
Developmental and epileptic encephalopathy, 14 (DEE14). Also called: Early infantile epileptic encephalopathy 14. Identifiers: Orphanet 293181, MedGen C3554195, MONDO:0013989, OMIM 614959.
Developmental and epileptic encephalopathy 97 (DEE97). Identifiers: MedGen C5561999, MONDO:0030453, OMIM 619561.

Allele frequency attached by ClinVar (database versions not stated): gnomAD exomes below 0.00001; TOPMed below 0.00001; gnomAD 0.00001.
gnomAD v4.1: 9 of 1,613,536 alleles (0.00056%); highest among the groups gnomAD compares: East Asian, 0.0022%; no homozygotes.

Submissions (3):

Labcorp Genetics (formerly Invitae), Labcorp
Classification: Uncertain significance for Autosomal dominant nocturnal frontal lobe epilepsy 5; Developmental and epileptic encephalopathy, 14. Last evaluated: 2024-09-08. Review status: criteria provided, single submitter. Criteria: Invitae Variant Classification Sherloc (09022015). Collection method: clinical testing. Allele origin: germline.
Comment: This sequence change replaces valine, which is neutral and non-polar, with isoleucine, which is neutral and non-polar, at codon 86 of the KCNT1 protein (p.Val86Ile). This variant is present in population databases (no rsID available, gnomAD 0.006%). This variant has not been reported in the literature in individuals affected with KCNT1-related conditions. ClinVar contains an entry for this variant (Variation ID: 1367124). An algorithm developed to predict the effect of missense changes on protein structure and function (PolyPhen-2) suggests that this variant is likely to be disruptive. In summary, the available evidence is currently insufficient to determine the role of this variant in disease. Therefore, it has been classified as a Variant of Uncertain Significance.

Revvity Omics, Revvity
Classification: Uncertain significance. Last evaluated: 2023-11-20. Review status: criteria provided, single submitter. Criteria: ACMG Guidelines, 2015. Collection method: clinical testing. Allele origin: germline.

Neuberg Centre For Genomic Medicine, NCGM
Classification: Uncertain significance for Developmental and epileptic encephalopathy 97. Last evaluated: 2023-06-22. Review status: criteria provided, single submitter. Criteria: ACMG Guidelines, 2015. Collection method: clinical testing. Allele origin: germline. Inheritance: Autosomal dominant inheritance. Affected: yes.
Comment: The observed missense c.256G>A (p.Val86Ile) variant in KCNT1 gene has not been reported previously as a pathogenic variant nor as a benign variant, to our knowledge. The p.Val86Ile variant is present with allele frequency of 0.0004% in gnomAD Exomes. This variant has been submitted to the ClinVar database as Uncertain Significance. Multiple lines of computational evidence (SIFT - Damaging and MutationTaster - Disease causing) predict a damaging effect on protein structure and function for this variant. The reference amino acid of p.Val86Ile in KCNT1 is predicted as conserved by GERP++ and PhyloP across 100 vertebrates. The amino acid Val at position 86 is changed to a Ile changing protein sequence and it might alter its composition and physico-chemical properties. For these reasons, this variant has been classified as a Variant of Uncertain Significance (VUS).

NM_020822.3(KCNT1):c.256G>A (p.Val86Ile)

Gene: KCNT1 (potassium sodium-activated channel subfamily T member 1; plus strand). Cytogenetic location: 9q34.3.
Variant type: single nucleotide variant.
Coding change: c.256G>A on transcript NM_020822.3 (MANE Select); coding-DNA position 256, G replaced by A.
Protein change: p.Val86Ile; replaces valine 86 with isoleucine.
Molecular consequence: missense variant.
Genome position (GRCh38, 1-based): chr9:135,750,099, G>A. VCF-style: chr9-135750099-G-A. GRCh37 (hg19) VCF-style: chr9-138641945-G-A.
Other names: c.112G>A, p.Val38Ile (NM_001272003.2); short protein forms V38I, V86I.
Identifiers: ClinVar variation 1367124 (VCV001367124.11), dbSNP rs1172819191, ClinGen allele CA375494688.
Genomic context (GRCh38, chr9:135,750,099, plus strand): 5'-TGTCCCCAGCCTGAGTCCCCACTGGCCCTGAGCCTCCATGCCCCTCTCTGCTTCTTCAGG[G>A]TCCAGGTGGAGTTCTACGTCAACGAGAACACCTTCAAGGAGCGGCTCAAGCTGTTCTTCA-3'
Protein context (NP_065873.2, residues 76-96): GDPSFQNDDR[Val86Ile]QVEFYVNENT